The following is an entry in ClinVar:

ClinVar aggregate classification (germline): Likely benign (1 of 4 stars; one submission).

gnomAD v4.1: 266 of 1,210,387 alleles (0.022%); highest among the groups gnomAD compares: Non-Finnish European, 0.026%; no homozygotes.

Submission:

CeGaT Center for Human Genetics Tuebingen
Classification: Likely benign. Last evaluated: 2024-07-01. Review status: criteria provided, single submitter. Criteria: CeGaT Center For Human Genetics Tuebingen Variant Classification Criteria Version 2. Collection method: clinical testing. Allele origin: germline. Affected: yes. Observed: 1 variant allele.
Comment: RLIM: BP4, BP7, BS2

NM_016120.4(RLIM):c.1194A>G (p.Thr398=)

Gene: RLIM (ring finger protein, LIM domain interacting; minus strand). Cytogenetic location: Xq13.2.
Variant type: single nucleotide variant.
Coding change: c.1194A>G on transcript NM_016120.4 (MANE Select); coding-DNA position 1194, A replaced by G.
Protein change: p.Thr398=; no amino-acid change (threonine 398 retained).
Molecular consequence: synonymous variant.
Genome position (GRCh38, 1-based): chrX:74,592,121, T>C on the plus strand (A>G on the coding strand, the complement: RLIM is on the minus strand). VCF-style: chrX-74592121-T-C. GRCh37 (hg19) VCF-style: chrX-73811956-T-C.
Other names: c.1194A>G, p.Thr398= (NM_183353.3).
Identifiers: ClinVar variation 3257201 (VCV003257201.17).